The following is an entry in ClinVar:

NM_001182.5(ALDH7A1):c.1094-14T>G

Gene: ALDH7A1 (aldehyde dehydrogenase 7 family member A1; minus strand). Cytogenetic location: 5q23.2.
Variant type: single nucleotide variant.
Coding change: c.1094-14T>G on transcript NM_001182.5 (MANE Select); 14 bases into the intron before coding-DNA position 1094, T replaced by G.
Molecular consequence: intron variant.
Genome position (GRCh38, 1-based): chr5:126,554,407, A>C on the plus strand (T>G on the coding strand, the complement: ALDH7A1 is on the minus strand). VCF-style: chr5-126554407-A-C. GRCh37 (hg19) VCF-style: chr5-125890099-A-C.
Other names: c.1009-2270T>G (NM_001202404.2); c.1010-14T>G (NM_001201377.2).
Identifiers: ClinVar variation 384008 (VCV000384008.10), dbSNP rs1057521816, ClinGen allele CA16605210.
Genomic context (GRCh38, chr5:126,554,407, plus strand): 5'-CATGCTCACTGCCTGCTTGGTGTGGAGTGGCCCATAGAGAACATTAGCTGGAGAGAGAAA[A>C]GGAAGGCTGGCTCATCATTTTGCCCTTTATGGCATCGTTTTATTATTAGAACAGCTTTCT-3'

ClinVar aggregate classification (germline): Likely benign. Review status: criteria provided, multiple submitters, no conflicts (2 of 4 stars). 3 submissions from 3 submitters: Likely benign (3). Last evaluated 2026-01-25.

Conditions:
Pyridoxine-dependent epilepsy (EPEO4). Also called: Pyridoxine-Dependent Epilepsy - ALDH7A1; EPILEPSY, EARLY-ONSET, 4, VITAMIN B6-DEPENDENT; Pyridoxine-Dependent Seizures; PYRIDOXINE DEPENDENCY WITH SEIZURES. Identifiers: Orphanet 3006, MedGen C1849508, MONDO:0009945, OMIM 266100. Disease mechanism: loss of function.

Allele frequency attached by ClinVar (database versions not stated): gnomAD exomes 0.00001; TOPMed 0.00002; gnomAD 0.00001.
gnomAD v4.1: 9 of 1,611,114 alleles (0.00056%); highest among the groups gnomAD compares: Non-Finnish European, 0.00076%; no homozygotes.

Submissions (4):

Labcorp Genetics (formerly Invitae), Labcorp
Classification: Likely benign for Pyridoxine-dependent epilepsy. Last evaluated: 2026-01-25. Review status: criteria provided, single submitter. Criteria: Invitae Variant Classification Sherloc (09022015). Collection method: clinical testing. Allele origin: germline.

Genome-Nilou Lab
Classification: Likely benign for Pyridoxine-dependent epilepsy. Last evaluated: 2023-04-11. Review status: criteria provided, single submitter. Criteria: ACMG Guidelines, 2015. Collection method: clinical testing. Allele origin: germline. Affected: no.

GeneDx
Classification: Likely benign. Last evaluated: 2016-03-02. Review status: criteria provided, single submitter. Criteria: GeneDx Variant Classification (06012015). Collection method: clinical testing. Allele origin: germline. Affected: yes.
Comment: This variant is considered likely benign or benign based on one or more of the following criteria: it is a conservative change, it occurs at a poorly conserved position in the protein, it is predicted to be benign by multiple in silico algorithms, and/or has population frequency not consistent with disease.

Dr. Peter K. Rogan Lab, Western University
No classification provided (evidence only). Condition: Lymphoma. Review status: no classification provided. Collection method: in vitro. Allele origin: not applicable. Functional consequence: retained intron. Not counted in ClinVar's aggregate classification.